The following is an entry in ClinVar:

NM_003998.4(NFKB1):c.2710T>G (p.Ser904Ala)

Gene: NFKB1 (nuclear factor kappa B subunit 1; plus strand). Cytogenetic location: 4q24.
Variant type: single nucleotide variant.
Coding change: c.2710T>G on transcript NM_003998.4 (MANE Select); coding-DNA position 2710, T replaced by G.
Protein change: p.Ser904Ala; replaces serine 904 with alanine.
Molecular consequence: missense variant.
Genome position (GRCh38, 1-based): chr4:102,613,542, T>G. VCF-style: chr4-102613542-T-G. GRCh37 (hg19) VCF-style: chr4-103534699-T-G.
Other names: c.2707T>G, p.Ser903Ala (NM_001165412.2, NM_001319226.2, NM_001382627.1); c.2710T>G, p.Ser904Ala (NM_001382625.1, NM_001382626.1); c.2668T>G, p.Ser890Ala (NM_001382628.1); short protein forms S904A, S890A, S903A.
Identifiers: ClinVar variation 1417505 (VCV001417505.8), dbSNP rs781620527, ClinGen allele CA102691099.

ClinVar aggregate classification (germline): Uncertain significance (1 of 4 stars; one submission).

Allele frequency attached by ClinVar (database versions not stated): gnomAD 0.00001; TOPMed 0.00001.
gnomAD v4.1: 1 of 1,613,536 alleles (0.000062%); highest among the groups gnomAD compares: Non-Finnish European, 0.000085%; no homozygotes.

Submission:

Labcorp Genetics (formerly Invitae), Labcorp
Classification: Uncertain significance. Last evaluated: 2024-11-11. Review status: criteria provided, single submitter. Criteria: Invitae Variant Classification Sherloc (09022015). Collection method: clinical testing. Allele origin: germline.
Comment: This sequence change replaces serine, which is neutral and polar, with alanine, which is neutral and non-polar, at codon 904 of the NFKB1 protein (p.Ser904Ala). This variant is not present in population databases (gnomAD no frequency). This variant has not been reported in the literature in individuals affected with NFKB1-related conditions. ClinVar contains an entry for this variant (Variation ID: 1417505). An algorithm developed to predict the effect of missense changes on protein structure and function (PolyPhen-2) suggests that this variant is likely to be tolerated. In summary, the available evidence is currently insufficient to determine the role of this variant in disease. Therefore, it has been classified as a Variant of Uncertain Significance.